The following is an entry in ClinVar:

NM_001148.6(ANK2):c.11110G>A (p.Glu3704Lys)

Gene: ANK2 (ankyrin 2; plus strand). Cytogenetic location: 4q26.
Variant type: single nucleotide variant.
Coding change: c.11110G>A on transcript NM_001148.6 (MANE Select); coding-DNA position 11110, G replaced by A.
Protein change: p.Glu3704Lys; replaces glutamic acid 3704 with lysine.
Molecular consequence: missense variant.
Genome position (GRCh38, 1-based): chr4:113,367,643, G>A. VCF-style: chr4-113367643-G-A. GRCh37 (hg19) VCF-style: chr4-114288799-G-A.
Other names: c.4669G>A, p.Glu1557Lys (NM_001354266.2, NM_001354267.2, NM_001354276.2 and 2 more transcripts); c.4657G>A, p.Glu1553Lys (NM_001354268.2); c.4642G>A, p.Glu1548Lys (NM_001354269.3); c.4630G>A, p.Glu1544Lys (NM_001354270.2, NM_001354253.2); c.4570G>A, p.Glu1524Lys (NM_001354271.2, NM_001386151.1, NM_001354260.2); c.4726G>A, p.Glu1576Lys (NM_001354272.2); c.4555G>A, p.Glu1519Lys (NM_001354273.2); c.4621G>A, p.Glu1541Lys (NM_001354274.2, NM_001386154.1); and 35 more; short protein forms E1458K, E1519K, E1561K, E1567K, E1574K, E1597K, E1598K, E1612K.
Identifiers: ClinVar variation 2196321 (VCV002196321.7), dbSNP rs886965541, ClinGen allele CA103822864.

ClinVar aggregate classification (germline): Conflicting classifications of pathogenicity. Review status: criteria provided, conflicting classifications (1 of 4 stars). 2 submissions from 2 submitters: Uncertain significance (1); Benign (1). Last evaluated 2026-06-15.

Conditions:
Cardiovascular phenotype. Identifiers: MedGen CN230736.
Long QT syndrome (LQTS). Identifiers: MedGen C0023976, MeSH D008133, MONDO:0002442. Disease mechanism: loss of function. Inheritance: Various modes of inheritance.

Allele frequency attached by ClinVar (database versions not stated): gnomAD exomes below 0.00001; gnomAD 0.00001.
gnomAD v4.1: 9 of 1,613,718 alleles (0.00056%); highest among the groups gnomAD compares: Admixed American, 0.0017%; no homozygotes.

Submissions (2):

Ambry Genetics
Classification: Uncertain significance for Cardiovascular phenotype. Last evaluated: 2026-06-15. Review status: criteria provided, single submitter. Criteria: Ambry Variant Classification Scheme 2023. Collection method: clinical testing. Allele origin: germline.
Comment: The c.11110G>A (p.E3704K) alteration is located in exon 42 (coding exon 42) of the ANK2 gene. This alteration results from a G to A substitution at nucleotide position 11110, causing the glutamic acid (E) at amino acid position 3704 to be replaced by a lysine (K). Based on data from gnomAD, the A allele has an overall frequency of 0.003% (1/31372) total alleles studied. The highest observed frequency was 0.007% (1/15418) of European (non-Finnish) alleles. Based on insufficient or conflicting evidence, the clinical significance of this alteration remains unclear.

Labcorp Genetics (formerly Invitae), Labcorp
Classification: Benign for Long QT syndrome. Last evaluated: 2025-08-06. Review status: criteria provided, single submitter. Criteria: Invitae Variant Classification Sherloc (09022015). Collection method: clinical testing. Allele origin: germline.